The following is an entry in ClinVar:

NM_000069.3(CACNA1S):c.597C>T (p.Ile199=)

Gene: CACNA1S (calcium voltage-gated channel subunit alpha1 S; minus strand). Cytogenetic location: 1q32.1.
Variant type: single nucleotide variant.
Coding change: c.597C>T on transcript NM_000069.3 (MANE Select); coding-DNA position 597, C replaced by T.
Protein change: p.Ile199=; no amino-acid change (isoleucine 199 retained).
Molecular consequence: synonymous variant.
Genome position (GRCh38, 1-based): chr1:201,091,737, G>A on the plus strand (C>T on the coding strand, the complement: CACNA1S is on the minus strand). VCF-style: chr1-201091737-G-A. GRCh37 (hg19) VCF-style: chr1-201060865-G-A.
Other names: p.Ile199=.
Identifiers: ClinVar variation 254852 (VCV000254852.23), dbSNP rs2296383, ClinGen allele CA083919.

ClinVar aggregate classification (germline): Benign. Review status: criteria provided, multiple submitters, no conflicts (2 of 4 stars). 12 submissions from 12 submitters: Benign (12). Last evaluated 2026-02-04.

Conditions:
Hypokalemic periodic paralysis, type 1. Also called: Hypokalemic Periodic Paralysis Type 1 (AD); HypoPP. Identifiers: Orphanet 681, MedGen C3714580, MONDO:0042979, OMIM 170400.
Malignant hyperthermia, susceptibility to, 5 (MHS5). Also called: CACNA1S-Related Malignant Hyperthermia Susceptibility. Identifiers: Orphanet 423, MedGen C1866077, MONDO:0011163, OMIM 601887.

Allele frequency attached by ClinVar (database versions not stated): 1000 Genomes Project 30x 0.29872; 1000 Genomes Project 0.30511; TOPMed 0.31520; gnomAD 0.32034 and 0.32723; ESP Exome Variant Server 0.32977; ExAC 0.38867; gnomAD exomes 0.38968 and 0.42408.
gnomAD v4.1: 668,986 of 1,613,646 alleles (41%); highest among the groups gnomAD compares: South Asian, 45%; 143,858 homozygotes.

Submissions (12):

Labcorp Genetics (formerly Invitae), Labcorp
Classification: Benign for Hypokalemic periodic paralysis, type 1; Malignant hyperthermia, susceptibility to, 5. Last evaluated: 2026-02-04. Review status: criteria provided, single submitter. Criteria: Invitae Variant Classification Sherloc (09022015). Collection method: clinical testing. Allele origin: germline.

Blueprint Genetics
Classification: Benign. Last evaluated: 2024-11-26. Review status: criteria provided, single submitter. Criteria: ACMG Guidelines, 2015. Collection method: clinical testing. Allele origin: germline.

All of Us Research Program, National Institutes of Health
Classification: Benign for Malignant hyperthermia, susceptibility to, 5. Last evaluated: 2024-02-05. Review status: criteria provided, single submitter. Criteria: ACMG Guidelines, 2015. Collection method: clinical testing. Allele origin: germline. Inheritance: Autosomal dominant inheritance. Observed: 67,181 variant alleles, 49,474 heterozygotes, 17,707 homozygotes.
Comment: This study involves interpretation of variants in research participants for the purpose of population health screening. Participant phenotype was not available at the time of variant classification. Additional details can be found in publication PMID: 35346344, PMCID: PMC8962531

Genome-Nilou Lab
Classification: Benign for Hypokalemic periodic paralysis, type 1. Last evaluated: 2021-07-14. Review status: criteria provided, single submitter. Criteria: ACMG Guidelines, 2015. Collection method: clinical testing. Allele origin: germline. Affected: no.

Color Diagnostics, LLC DBA Color Health
Classification: Benign for Malignant hyperthermia, susceptibility to, 5. Last evaluated: 2019-03-28. Review status: criteria provided, single submitter. Criteria: ACMG Guidelines, 2015. Collection method: clinical testing. Allele origin: germline.

Illumina Laboratory Services, Illumina
Classification: Benign for Hypokalemic periodic paralysis, type 1. Last evaluated: 2018-01-13. Review status: criteria provided, single submitter. Criteria: ICSL Variant Classification Criteria 13 December 2019. Collection method: clinical testing. Allele origin: germline.
Comment: This variant was observed in the ICSL laboratory as part of a predisposition screen in an ostensibly healthy population. It had not been previously curated by ICSL or reported in the Human Gene Mutation Database (HGMD: prior to June 1st, 2018), and was therefore a candidate for classification through an automated scoring system. Utilizing variant allele frequency, disease prevalence and penetrance estimates, and inheritance mode, an automated score was calculated to assess if this variant is too frequent to cause the disease. Based on the score and internal cut-off values, a variant classified as benign is not then subjected to further curation. The score for this variant resulted in a classification of benign for this disease.

Athena Diagnostics
Classification: Benign. Last evaluated: 2017-07-21. Review status: criteria provided, single submitter. Criteria: Athena Diagnostics Criteria. Collection method: clinical testing. Allele origin: germline.

Mayo Clinic Laboratories, Mayo Clinic
Classification: Benign. Last evaluated: 2017-07-21. Review status: criteria provided, single submitter. Criteria: ACMG Guidelines, 2015. Collection method: clinical testing. Allele origin: germline. Observed: 362 variant alleles.

Women's Health and Genetics/Laboratory Corporation of America, LabCorp
Classification: Benign. Last evaluated: 2016-02-11. Review status: criteria provided, single submitter. Criteria: LabCorp Variant Classification Summary - May 2015. Collection method: clinical testing. Allele origin: germline.

GeneDx
Classification: Benign. Last evaluated: 2016-01-05. Review status: criteria provided, single submitter. Criteria: GeneDx Variant Classification (06012015). Collection method: clinical testing. Allele origin: germline. Affected: yes.
Comment: This variant is considered likely benign or benign based on one or more of the following criteria: it is a conservative change, it occurs at a poorly conserved position in the protein, it is predicted to be benign by multiple in silico algorithms, and/or has population frequency not consistent with disease.

Breakthrough Genomics
Classification: Benign. Review status: criteria provided, single submitter. Criteria: ACMG Guidelines, 2015. Collection method: not provided. Allele origin: germline. Inheritance: Autosomal dominant inheritance. Affected: yes.

PreventionGenetics, part of Exact Sciences
Classification: Benign. Review status: criteria provided, single submitter. Criteria: ACMG Guidelines, 2015. Collection method: clinical testing. Allele origin: germline.